The following is an entry in ClinVar:

NM_201596.3(CACNB2):c.1615C>G (p.His539Asp)

Gene: CACNB2 (calcium voltage-gated channel auxiliary subunit beta 2; plus strand). Cytogenetic location: 10p12.31.
Variant type: single nucleotide variant.
Coding change: c.1615C>G on transcript NM_201596.3 (MANE Select); coding-DNA position 1615, C replaced by G.
Protein change: p.His539Asp; replaces histidine 539 with aspartic acid.
Molecular consequence: missense variant.
Genome position (GRCh38, 1-based): chr10:18,539,356, C>G. VCF-style: chr10-18539356-C-G. GRCh37 (hg19) VCF-style: chr10-18828285-C-G.
Other names: c.1450C>G, p.His484Asp (NM_000724.4); c.1417C>G, p.His473Asp (NM_001167945.2); c.1336C>G, p.His446Asp (NM_001330060.2); c.1357C>G, p.His453Asp (NM_001410882.1); c.1471C>G, p.His491Asp (NM_201570.3); c.1531C>G, p.His511Asp (NM_201571.4); c.1459C>G, p.His487Asp (NM_201572.4); c.1453C>G, p.His485Asp (NM_201590.3); and 2 more; short protein forms H453D, H485D, H539D, H446D, H491D, H511D, H484D, H487D.
Identifiers: ClinVar variation 3262849 (VCV003262849.1).
Genomic context (GRCh38, chr10:18,539,356, plus strand): 5'-GAACCTAGTGTGGAACCAGTCAAGAAATCCCAGCACCGCTCTTCCTCCTCAGCCCCACAC[C>G]ACAACCATCGCAGTGGGACAAGTCGCGGCCTCTCCAGGCAAGAGACATTTGACTCGGAAA-3'
Protein context (NP_963890.2, residues 529-549): QHRSSSSAPH[His539Asp]NHRSGTSRGL

ClinVar aggregate classification (germline): Uncertain significance (1 of 4 stars; one submission).

Conditions:
Cardiovascular phenotype. Identifiers: MedGen CN230736.

Submission:

Ambry Genetics
Classification: Uncertain significance for Cardiovascular phenotype. Last evaluated: 2024-03-16. Review status: criteria provided, single submitter. Criteria: Ambry Variant Classification Scheme 2023. Collection method: clinical testing. Allele origin: germline.
Comment: The p.H485D variant (also known as c.1453C>G), located in coding exon 13 of the CACNB2 gene, results from a C to G substitution at nucleotide position 1453. The histidine at codon 485 is replaced by aspartic acid, an amino acid with similar properties. This amino acid position is conserved. In addition, the in silico prediction for this alteration is inconclusive. Based on the available evidence, the clinical significance of this alteration remains unclear.